The following is an entry in ClinVar:

NM_145200.5(CABP4):c.*1392T>C

Gene: CABP4 (calcium binding protein 4; plus strand). Cytogenetic location: 11q13.2.
Variant type: single nucleotide variant.
Coding change: c.*1392T>C on transcript NM_145200.5 (MANE Select); 1392 bases downstream of the stop codon, T replaced by C.
Molecular consequence: 3 prime UTR variant. On other transcripts: non-coding transcript variant (1).
Genome position (GRCh38, 1-based): chr11:67,460,051, T>C. VCF-style: chr11-67460051-T-C. GRCh37 (hg19) VCF-style: chr11-67227522-T-C.
Other names: c.*1392T>C (NM_001300895.3, NM_001300896.3, NM_001379183.1).
Identifiers: ClinVar variation 878176 (VCV000878176.4), dbSNP rs77807407, ClinGen allele CA224146138.

ClinVar aggregate classification (germline): Likely benign (1 of 4 stars; one submission).

Conditions:
Cone-rod synaptic disorder, congenital nonprogressive. Also called: NIGHT BLINDNESS, CONGENITAL STATIONARY, INCOMPLETE, AUTOSOMAL RECESSIVE. Identifiers: Orphanet 215, MedGen C4041558, MONDO:0012490, OMIM 610427.

Allele frequency attached by ClinVar (database versions not stated): gnomAD 0.00111 and 0.00141; TOPMed 0.00203; 1000 Genomes Project 0.00379; 1000 Genomes Project 30x 0.00453.

Submission:

Illumina Laboratory Services, Illumina
Classification: Likely benign for Cone-rod synaptic disorder, congenital nonprogressive. Last evaluated: 2018-01-13. Review status: criteria provided, single submitter. Criteria: ICSL Variant Classification Criteria 13 December 2019. Collection method: clinical testing. Allele origin: germline.
Comment: This variant was observed in the ICSL laboratory as part of a predisposition screen in an ostensibly healthy population. It had not been previously curated by ICSL or reported in the Human Gene Mutation Database (HGMD: prior to June 1st, 2018), and was therefore a candidate for classification through an automated scoring system. Utilizing variant allele frequency, disease prevalence and penetrance estimates, and inheritance mode, an automated score was calculated to assess if this variant is too frequent to cause the disease. Based on the score and internal cut-off values, a variant classified as likely benign is not then subjected to further curation. The score for this variant resulted in a classification of likely benign for this disease.